The following is an entry in ClinVar:

NM_001379451.1(BCORL1):c.1418C>T (p.Ser473Phe)

Gene: BCORL1 (BCL6 corepressor like 1; plus strand). Cytogenetic location: Xq26.1.
Variant type: single nucleotide variant.
Coding change: c.1418C>T on transcript NM_001379451.1 (MANE Select); coding-DNA position 1418, C replaced by T.
Protein change: p.Ser473Phe; replaces serine 473 with phenylalanine.
Molecular consequence: missense variant.
Genome position (GRCh38, 1-based): chrX:130,014,190, C>T. VCF-style: chrX-130014190-C-T. GRCh37 (hg19) VCF-style: chrX-129148166-C-T.
Other names: c.1418C>T, p.Ser473Phe (NM_001184772.3, NM_001379450.1, NM_021946.5); short protein forms S473F.
Identifiers: ClinVar variation 3344932 (VCV003344932.1).

ClinVar aggregate classification (germline): Uncertain significance (0 of 4 stars; one submission).

Conditions:
BCORL1-related disorder. Also called: BCORL1-related condition.

Submission:

PreventionGenetics, part of Exact Sciences
Classification: Uncertain significance for BCORL1-related condition. Last evaluated: 2024-06-25. Review status: no assertion criteria provided. Collection method: clinical testing. Allele origin: germline.
Comment: The BCORL1 c.1418C>T variant is predicted to result in the amino acid substitution p.Ser473Phe. To our knowledge, this variant has not been reported in the literature or in a large population database, indicating it is rare. At this time, the clinical significance of this variant is uncertain due to the absence of conclusive functional and genetic evidence.